The following is an entry in ClinVar:

ClinVar aggregate classification (germline): Uncertain significance (1 of 4 stars; one submission).

Conditions:
Inborn genetic diseases. Identifiers: MedGen C0950123, MeSH D030342.

gnomAD v4.1: 3 of 1,609,776 alleles (0.00019%); no homozygotes.

Submission:

Ambry Genetics
Classification: Uncertain significance for Inborn genetic diseases. Last evaluated: 2025-06-01. Review status: criteria provided, single submitter. Criteria: Ambry Variant Classification Scheme 2023. Collection method: clinical testing. Allele origin: germline.
Comment: The p.G21S variant (also known as c.61G>A), located in coding exon 1 of the MIB1 gene, results from a G to A substitution at nucleotide position 61. The glycine at codon 21 is replaced by serine, an amino acid with similar properties. This amino acid position is conserved. In addition, the in silico prediction for this alteration is inconclusive. Based on the available evidence, the clinical significance of this variant remains unclear.

NM_020774.4(MIB1):c.61G>A (p.Gly21Ser)

Gene: MIB1 (MIB E3 ubiquitin protein ligase 1; plus strand). Cytogenetic location: 18q11.2.
Variant type: single nucleotide variant.
Coding change: c.61G>A on transcript NM_020774.4 (MANE Select); coding-DNA position 61, G replaced by A.
Protein change: p.Gly21Ser; replaces glycine 21 with serine.
Molecular consequence: missense variant.
Genome position (GRCh38, 1-based): chr18:21,741,644, G>A. VCF-style: chr18-21741644-G-A. GRCh37 (hg19) VCF-style: chr18-19321605-G-A.
Other names: short protein forms G21S.
Identifiers: ClinVar variation 4054655 (VCV004054655.1).